The following is an entry in ClinVar:

NM_003477.3(PDHX):c.1239A>T (p.Gly413=)

Gene: PDHX (pyruvate dehydrogenase complex component X; plus strand). Cytogenetic location: 11p13.
Variant type: single nucleotide variant.
Coding change: c.1239A>T on transcript NM_003477.3 (MANE Select); coding-DNA position 1239, A replaced by T.
Protein change: p.Gly413=; no amino-acid change (glycine 413 retained).
Molecular consequence: synonymous variant.
Genome position (GRCh38, 1-based): chr11:34,992,371, A>T. VCF-style: chr11-34992371-A-T. GRCh37 (hg19) VCF-style: chr11-35013918-A-T.
Other names: c.1059A>T, p.Gly353= (NM_001135024.2); c.558A>T, p.Gly186= (NM_001166158.2).
Identifiers: ClinVar variation 451144 (VCV000451144.14), dbSNP rs148758785, ClinGen allele CA5946140.
Genomic context (GRCh38, chr11:34,992,371, plus strand): 5'-TCAGGCTCTATCAAAGAAAGCAAGAGATGGAAAATTGTTGCCTGAAGAATACCAAGGAGG[A>T]TCTTTTAGGTAAAATTTAAACTCTTAATTATCCATAGCATCAAACAGATAGATGTAAGAC-3'
Protein context (NP_003468.2, residues 403-423): GKLLPEEYQG[Gly413=]SFSISNLGMF

ClinVar aggregate classification (germline): Conflicting classifications of pathogenicity. Review status: criteria provided, conflicting classifications (1 of 4 stars). 4 submissions from 4 submitters: Uncertain significance (1); Likely benign (2). 1 of the submissions does not count toward it. Last evaluated 2025-07-22.

Conditions:
PDHX-related disorder. Also called: PDHX-related condition.

Allele frequency attached by ClinVar (database versions not stated): gnomAD exomes 0.00002 and 0.00008; gnomAD 0.00004 and 0.00005; TOPMed 0.00004; ExAC 0.00007; ESP Exome Variant Server 0.00008; 1000 Genomes Project 0.00040; 1000 Genomes Project 30x 0.00047.
gnomAD v4.1: 40 of 1,571,724 alleles (0.0025%); highest among the groups gnomAD compares: Admixed American, 0.027%; no homozygotes.

Submissions (4):

Labcorp Genetics (formerly Invitae), Labcorp
Classification: Likely benign. Last evaluated: 2025-07-22. Review status: criteria provided, single submitter. Criteria: Invitae Variant Classification Sherloc (09022015). Collection method: clinical testing. Allele origin: germline.

Blueprint Genetics
Classification: Likely benign. Last evaluated: 2023-11-30. Review status: criteria provided, single submitter. Criteria: ACMG Guidelines, 2015. Collection method: clinical testing. Allele origin: germline.

GeneDx
Classification: Uncertain significance. Last evaluated: 2017-08-14. Review status: criteria provided, single submitter. Criteria: GeneDx Variant Classification (06012015). Collection method: clinical testing. Allele origin: germline. Affected: yes.
Comment: The c.1239 A>T variant has not been published as a pathogenic variant, nor has it been reported as a benign variant to our knowledge. The c.1239 A>T variant is observed in 6/10.826 (0.06%) alleles from individuals of Latino background, in the ExAC dataset (Lek et al., 2016). In-silico splice prediction models are unable to predict if the c.1239 A>T variant leads to abnormal gene splicing. Therefore, in the absence of RNA/functional studies, the actual effect of this sequence change in this individual is unknown. Based on the currently available information, it is unclear whether this variant is a pathogenic variant or a rare benign variant.

PreventionGenetics, part of Exact Sciences
Classification: Likely benign for PDHX-related condition. Last evaluated: 2024-05-08. Review status: no assertion criteria provided. Collection method: clinical testing. Allele origin: germline. Not counted in ClinVar's aggregate classification.
Comment: This variant is classified as likely benign based on ACMG/AMP sequence variant interpretation guidelines (Richards et al. 2015 PMID: 25741868, with internal and published modifications).